The following is an entry in ClinVar:

ClinVar aggregate classification (germline): Uncertain significance. Review status: criteria provided, multiple submitters, no conflicts (2 of 4 stars). 2 submissions from 2 submitters: Uncertain significance (2). Last evaluated 2022-09-26.

Conditions:
Cone-rod dystrophy 2 (CORD2). Also called: CONE-ROD RETINAL DYSTROPHY; Cone-rod retinal dystrophy 2. Identifiers: Orphanet 1872, MedGen C3489532, MONDO:0007362, OMIM 120970.
Leber congenital amaurosis 7 (LCA7). Identifiers: Orphanet 65, MedGen C3151192, MONDO:0013449, OMIM 613829.

Allele frequency attached by ClinVar (database versions not stated): TOPMed 0.00001; gnomAD exomes 0.00002; ExAC 0.00003.

Submissions (2):

Labcorp Genetics (formerly Invitae), Labcorp
Classification: Uncertain significance for Cone-rod dystrophy 2; Leber congenital amaurosis 7. Last evaluated: 2022-09-26. Review status: criteria provided, single submitter. Criteria: Invitae Variant Classification Sherloc (09022015). Collection method: clinical testing. Allele origin: germline.
Comment: ClinVar contains an entry for this variant (Variation ID: 967632). This sequence change replaces tryptophan, which is neutral and slightly polar, with arginine, which is basic and polar, at codon 163 of the CRX protein (p.Trp163Arg). This variant is present in population databases (rs779912365, gnomAD 0.02%). This variant has not been reported in the literature in individuals affected with CRX-related conditions. Advanced modeling of protein sequence and biophysical properties (such as structural, functional, and spatial information, amino acid conservation, physicochemical variation, residue mobility, and thermodynamic stability) performed at Invitae indicates that this missense variant is not expected to disrupt CRX protein function. In summary, the available evidence is currently insufficient to determine the role of this variant in disease. Therefore, it has been classified as a Variant of Uncertain Significance.

GeneDx
Classification: Uncertain significance. Last evaluated: 2022-03-24. Review status: criteria provided, single submitter. Criteria: GeneDx Variant Classification Process June 2021. Collection method: clinical testing. Allele origin: germline. Affected: yes.
Comment: In silico analysis supports that this missense variant has a deleterious effect on protein structure/function; Has not been previously published as pathogenic or benign to our knowledge

NM_000554.6(CRX):c.487T>C (p.Trp163Arg)

Gene: CRX (cone-rod homeobox; plus strand). Cytogenetic location: 19q13.33.
Variant type: single nucleotide variant.
Coding change: c.487T>C on transcript NM_000554.6 (MANE Select); coding-DNA position 487, T replaced by C.
Protein change: p.Trp163Arg; replaces tryptophan 163 with arginine.
Molecular consequence: missense variant.
Genome position (GRCh38, 1-based): chr19:47,839,554, T>C. VCF-style: chr19-47839554-T-C. GRCh37 (hg19) VCF-style: chr19-48342811-T-C.
Other names: short protein forms W163R.
Identifiers: ClinVar variation 967632 (VCV000967632.10), dbSNP rs779912365, ClinGen allele CA9544501.